The following is an entry in ClinVar:

NM_003898.4(SYNJ2):c.4002G>A (p.Pro1334=)

Gene: SYNJ2 (synaptojanin 2; plus strand). Cytogenetic location: 6q25.3.
Variant type: single nucleotide variant.
Coding change: c.4002G>A on transcript NM_003898.4 (MANE Select); coding-DNA position 4002, G replaced by A.
Protein change: p.Pro1334=; no amino-acid change (proline 1334 retained).
Molecular consequence: synonymous variant. On other transcripts: 3 prime UTR variant (1).
Genome position (GRCh38, 1-based): chr6:158,095,875, G>A. VCF-style: chr6-158095875-G-A. GRCh37 (hg19) VCF-style: chr6-158516907-G-A.
Other names: c.3291G>A, p.Pro1097= (NM_001178088.2); c.*285G>A (NM_001410947.1).
Identifiers: ClinVar variation 2657081 (VCV002657081.24), dbSNP rs3749847, ClinGen allele CA4070804.
Genomic context (GRCh38, chr6:158,095,875, plus strand): 5'-GGCAGGAGCCTCTGTGCCACCACCTCTGGAGGCGCCGCCTCTTGTGCCCAAGGTACCCCC[G>A]AGGAGGAAGAAGTCAGCCCCCGCAGCCTTCCACCTGCAGGTCCTGCAGAGCAACAGCCAG-3'
Protein context (NP_003889.1, residues 1324-1344): EAPPLVPKVP[Pro1334=]RRKKSAPAAF

ClinVar aggregate classification (germline): Likely benign (1 of 4 stars; one submission).

Allele frequency attached by ClinVar (database versions not stated): ESP Exome Variant Server 0.00008; 1000 Genomes Project 30x 0.00016; 1000 Genomes Project 0.00020.
gnomAD v4.1: 109 of 1,614,096 alleles (0.0068%); highest among the groups gnomAD compares: African/African-American, 0.037%; 1 homozygote.

Submission:

CeGaT Center for Human Genetics Tuebingen
Classification: Likely benign. Last evaluated: 2022-09-01. Review status: criteria provided, single submitter. Criteria: CeGaT Center For Human Genetics Tuebingen Variant Classification Criteria Version 2. Collection method: clinical testing. Allele origin: germline. Affected: yes. Observed: 1 variant allele.
Comment: SYNJ2: BP4, BP7